The following is an entry in ClinVar:

ClinVar aggregate classification (germline): Uncertain significance. Review status: criteria provided, multiple submitters, no conflicts (2 of 4 stars). 3 submissions from 3 submitters: Uncertain significance (3). Last evaluated 2025-03-22.

Conditions:
Inborn genetic diseases. Identifiers: MedGen C0950123, MeSH D030342.
Nemaline myopathy 5 (NEM5A). Also called: NEMALINE MYOPATHY, AMISH TYPE; NEMALINE MYOPATHY 5A, AUTOSOMAL RECESSIVE, SEVERE INFANTILE; Nemaline myopathy 5, Amish type. Identifiers: Orphanet 98902, MedGen C1854380, MONDO:0011539, OMIM 605355.

Allele frequency attached by ClinVar (database versions not stated): TOPMed 0.00005.
gnomAD v4.1: 12 of 1,613,560 alleles (0.00074%); highest among the groups gnomAD compares: Admixed American, 0.005%; no homozygotes.

Submissions (3):

Ambry Genetics
Classification: Uncertain significance for Inborn genetic diseases. Last evaluated: 2025-03-22. Review status: criteria provided, single submitter. Criteria: Ambry Variant Classification Scheme 2023. Collection method: clinical testing. Allele origin: germline.

Labcorp Genetics (formerly Invitae), Labcorp
Classification: Uncertain significance for Nemaline myopathy 5. Last evaluated: 2022-06-20. Review status: criteria provided, single submitter. Criteria: Invitae Variant Classification Sherloc (09022015). Collection method: clinical testing. Allele origin: germline.
Comment: In summary, the available evidence is currently insufficient to determine the role of this variant in disease. Therefore, it has been classified as a Variant of Uncertain Significance. Algorithms developed to predict the effect of missense changes on protein structure and function are either unavailable or do not agree on the potential impact of this missense change (SIFT: "Deleterious"; PolyPhen-2: "Benign"; Align-GVGD: "Class C0"). ClinVar contains an entry for this variant (Variation ID: 1000388). This variant has not been reported in the literature in individuals affected with TNNT1-related conditions. This variant is not present in population databases (gnomAD no frequency). This sequence change replaces serine, which is neutral and polar, with tryptophan, which is neutral and slightly polar, at codon 2 of the TNNT1 protein (p.Ser2Trp).

Revvity Omics, Revvity
Classification: Uncertain significance. Last evaluated: 2020-02-12. Review status: criteria provided, single submitter. Criteria: ACMG Guidelines, 2015. Collection method: clinical testing. Allele origin: germline.

NM_003283.6(TNNT1):c.5C>G (p.Ser2Trp)

Gene: TNNT1 (troponin T1, slow skeletal type; minus strand). Cytogenetic location: 19q13.42.
Variant type: single nucleotide variant.
Coding change: c.5C>G on transcript NM_003283.6 (MANE Select); coding-DNA position 5, C replaced by G.
Protein change: p.Ser2Trp; replaces serine 2 with tryptophan.
Molecular consequence: missense variant.
Genome position (GRCh38, 1-based): chr19:55,147,153, G>C on the plus strand (C>G on the coding strand, the complement: TNNT1 is on the minus strand). VCF-style: chr19-55147153-G-C. GRCh37 (hg19) VCF-style: chr19-55658521-G-C.
Other names: c.5C>G, p.Ser2Trp (NM_001126132.3, NM_001126133.3, NM_001291774.2); c.5C>G (NM_003283.4); short protein forms S2W.
Identifiers: ClinVar variation 1000388 (VCV001000388.12), dbSNP rs1041234929, ClinGen allele CA310140434.